The following is an entry in ClinVar:

NM_004333.6(BRAF):c.368C>T (p.Ser123Phe)

Gene: BRAF (B-Raf proto-oncogene, serine/threonine kinase; minus strand). Cytogenetic location: 7q34.
Variant type: single nucleotide variant.
Coding change: c.368C>T on transcript NM_004333.6 (MANE Select); coding-DNA position 368, C replaced by T.
Protein change: p.Ser123Phe; replaces serine 123 with phenylalanine.
Molecular consequence: missense variant. On other transcripts: intron variant (1).
Genome position (GRCh38, 1-based): chr7:140,834,745, G>A on the plus strand (C>T on the coding strand, the complement: BRAF is on the minus strand). VCF-style: chr7-140834745-G-A. GRCh37 (hg19) VCF-style: chr7-140534545-G-A.
Other names: c.368C>T, p.Ser123Phe (NM_001354609.2, NM_001374244.1, NM_001374258.1 and 5 more transcripts); c.266C>T, p.Ser89Phe (NM_001378470.1); c.212C>T, p.Ser71Phe (NM_001378472.1, NM_001378473.1); c.240+15366C>T (NM_001378475.1); short protein forms S123F, S71F, S89F.
Identifiers: ClinVar variation 3610724 (VCV003610724.2).

ClinVar aggregate classification (germline): Uncertain significance (1 of 4 stars; one submission).

Conditions:
RASopathy. Also called: rasopathies; Noonan spectrum disorder. Identifiers: Orphanet 536391, MedGen C5555857, MONDO:0021060.

gnomAD v4.1: 1 of 1,614,156 alleles (0.000062%); highest among the groups gnomAD compares: Non-Finnish European, 0.000085%; no homozygotes.

Submission:

Labcorp Genetics (formerly Invitae), Labcorp
Classification: Uncertain significance for RASopathy. Last evaluated: 2024-08-19. Review status: criteria provided, single submitter. Criteria: Invitae Variant Classification Sherloc (09022015). Collection method: clinical testing. Allele origin: germline.
Comment: This sequence change replaces serine, which is neutral and polar, with phenylalanine, which is neutral and non-polar, at codon 123 of the BRAF protein (p.Ser123Phe). This variant is not present in population databases (gnomAD no frequency). This variant has not been reported in the literature in individuals affected with BRAF-related conditions. Invitae Evidence Modeling of protein sequence and biophysical properties (such as structural, functional, and spatial information, amino acid conservation, physicochemical variation, residue mobility, and thermodynamic stability) indicates that this missense variant is expected to disrupt BRAF protein function with a positive predictive value of 95%. In summary, the available evidence is currently insufficient to determine the role of this variant in disease. Therefore, it has been classified as a Variant of Uncertain Significance.